The following is an entry in ClinVar:

NM_001999.4(FBN2):c.3741G>A (p.Met1247Ile)

Gene: FBN2 (fibrillin 2; minus strand). Cytogenetic location: 5q23.3.
Variant type: single nucleotide variant.
Coding change: c.3741G>A on transcript NM_001999.4 (MANE Select); coding-DNA position 3741, G replaced by A.
Protein change: p.Met1247Ile; replaces methionine 1247 with isoleucine.
Molecular consequence: missense variant.
Genome position (GRCh38, 1-based): chr5:128,335,561, C>T on the plus strand (G>A on the coding strand, the complement: FBN2 is on the minus strand). VCF-style: chr5-128335561-C-T. GRCh37 (hg19) VCF-style: chr5-127671253-C-T.
Other names: short protein forms M1247I.
Identifiers: ClinVar variation 4749401 (VCV004749401.1).

ClinVar aggregate classification (germline): Uncertain significance (1 of 4 stars; one submission).

Conditions:
Congenital contractural arachnodactyly (CCA). Also called: BEALS SYNDROME; Arthrogryposis, distal, type 9; Beals-Hecht syndrome. Identifiers: Orphanet 115, MedGen C0220668, MONDO:0007363, OMIM 121050.

Submission:

Labcorp Genetics (formerly Invitae), Labcorp
Classification: Uncertain significance for Congenital contractural arachnodactyly. Last evaluated: 2025-10-17. Review status: criteria provided, single submitter. Criteria: Invitae Variant Classification Sherloc (09022015). Collection method: clinical testing. Allele origin: germline.
Comment: This sequence change replaces methionine, which is neutral and non-polar, with isoleucine, which is neutral and non-polar, at codon 1247 of the FBN2 protein (p.Met1247Ile). This variant is not present in population databases (gnomAD no frequency). This variant has not been reported in the literature in individuals affected with FBN2-related conditions. Invitae Evidence Modeling of protein sequence and biophysical properties (such as structural, functional, and spatial information, amino acid conservation, physicochemical variation, residue mobility, and thermodynamic stability) indicates that this missense variant is not expected to disrupt FBN2 protein function with a negative predictive value of 80%. In summary, the available evidence is currently insufficient to determine the role of this variant in disease. Therefore, it has been classified as a Variant of Uncertain Significance.